The following is an entry in ClinVar:

ClinVar aggregate classification (germline): Pathogenic/Likely pathogenic. Review status: criteria provided, multiple submitters, no conflicts (2 of 4 stars). 4 submissions from 4 submitters: Pathogenic (2); Likely pathogenic (1). 1 of the submissions does not count toward it. Last evaluated 2022-05-04.

Conditions:
Developmental and epileptic encephalopathy, 48 (DEE48). Also called: Epileptic encephalopathy, early infantile, 48. Identifiers: MedGen C4310637, MONDO:0015000, OMIM 617276.

Allele frequency attached by ClinVar (database versions not stated): gnomAD exomes below 0.00001 and 0.00001; gnomAD 0.00001; TOPMed 0.00001.

Submissions (4):

Broad Center for Mendelian Genomics, Broad Institute of MIT and Harvard
Classification: Likely pathogenic for Developmental and epileptic encephalopathy, 48. Last evaluated: 2022-05-04. Review status: criteria provided, single submitter. Criteria: ACMG Guidelines, 2015. Collection method: curation. Allele origin: germline. Inheritance: Autosomal recessive inheritance.
Comment: The variant has not been previously reported in individuals with early infantile epileptic encephalopathy 48 but has been identified in 0.003% (1/30498) of South Asian chromosomes by the Genome Aggregation Database (gnomAD; dbSNP ID: rs1347618037). Although this variant has been seen in the general population, its frequency is low enough to be consistent with a recessive carrier frequency. This variant is predicted to cause a frameshift, which alters the protein’s amino acid sequence beginning at position 993 and leads to a premature termination codon 5 amino acids downstream. This alteration is then predicted to lead to a truncated or absent protein. Loss of function of the AP3B2 gene is a moderately established disease mechanism in autosomal recessive early infantile epileptic encephalopathy 48. The presence of this variant in 1 affected homozygote increases the likelihood that the p.Pro993ArgfsTer5 variant is pathogenic. In summary, although additional studies are required to fully establish its clinical significance, this variant is likely pathogenic. ACMG/AMP Criteria applied: PVS1_strong, PM2, PM3_supporting (Richards 2015).

Kasturba Medical College, Manipal, Kasturba Medical College, Manipal, Manipal Academy of Higher Education, Manipal, India
Classification: Pathogenic for Developmental and epileptic encephalopathy, 48. Last evaluated: 2020-11-19. Review status: criteria provided, single submitter. Criteria: ACMG Guidelines, 2015. Collection method: clinical testing. Allele origin: inherited. Inheritance: Autosomal recessive inheritance. Affected: yes. Observed: 3 variant alleles.

Institute of Medical Genetics and Applied Genomics, University Hospital Tübingen
Classification: Pathogenic. Last evaluated: 2020-10-23. Review status: criteria provided, single submitter. Criteria: ACMG Guidelines, 2015. Collection method: clinical testing. Allele origin: germline. Inheritance: Unknown mechanism. Affected: yes.

Molecular Genetics laboratory, Necker Hospital
Classification: Likely pathogenic. Last evaluated: 2020-04-16. Review status: no assertion criteria provided. Collection method: clinical testing. Allele origin: biparental. Affected: yes. Not counted in ClinVar's aggregate classification.

NM_001278512.2(AP3B2):c.2978_2979del (p.Pro993fs)

Genes: AP3B2 (adaptor related protein complex 3 subunit beta 2; minus strand), CPEB1-AS1 (CPEB1 antisense RNA 1; plus strand). Cytogenetic location: 15q25.2.
Variant type: Deletion.
Coding change: c.2978_2979del on transcript NM_001278512.2 (MANE Select); coding-DNA positions 2978 to 2979, 2 bases deleted (CT; older notation c.2978_2979delCT).
Protein change: p.Pro993fs; shifts the reading frame from proline 993.
Molecular consequence: frameshift variant.
Genome position (GRCh38, 1-based): chr15:82,661,862-82,661,863, AG deleted on the plus strand (CT on the coding strand, the reverse complement: AP3B2 is on the minus strand). VCF-style (leftmost placement, unchanged base first): chr15-82661861-CAG-C. GRCh37 (hg19) VCF-style: chr15-83330613-CAG-C.
Other names: NM_004644.5:c.2921_2922del; c.2825_2826del, p.Pro942fs (NM_001278511.2); c.110_111del, p.Pro37fs (NM_001348441.2); c.2921_2922del, p.Pro974fs (NM_004644.5); short protein forms P37fs, P942fs, P974fs, P993fs.
Identifiers: ClinVar variation 987398 (VCV000987398.7), dbSNP rs1347618037, ClinGen allele CA491781880.
Genomic context (GRCh38, chr15:82,661,861, plus strand): 5'-TGCCCACTCCCAGGGAGCACTCACCCTGTTCCTTCTTAAACTCATTTTCACTCATGAACA[CAG>C]GGGCCATCAGCTCCCCAACAGGTGGCTGAATGGAGACGTAGAACTGTCGGGTCTGGGTGC-3'